The following is an entry in ClinVar:

ClinVar aggregate classification (germline): Uncertain significance (1 of 4 stars; one submission).

Conditions:
Inborn genetic diseases. Identifiers: MedGen C0950123, MeSH D030342.

Submission:

Ambry Genetics
Classification: Uncertain significance for Inborn genetic diseases. Last evaluated: 2023-10-21. Review status: criteria provided, single submitter. Criteria: Ambry Variant Classification Scheme 2023. Collection method: clinical testing. Allele origin: germline.
Comment: The p.K349E variant (also known as c.1045A>G), located in coding exon 9 of the EPAS1 gene, results from an A to G substitution at nucleotide position 1045. The lysine at codon 349 is replaced by glutamic acid, an amino acid with similar properties. This amino acid position is conserved. In addition, this alteration is predicted to be tolerated by in silico analysis. Since supporting evidence is limited at this time, the clinical significance of this alteration remains unclear.

NM_001430.5(EPAS1):c.1045A>G (p.Lys349Glu)

Gene: EPAS1 (endothelial PAS domain protein 1; plus strand). Cytogenetic location: 2p21.
Variant type: single nucleotide variant.
Coding change: c.1045A>G on transcript NM_001430.5 (MANE Select); coding-DNA position 1045, A replaced by G.
Protein change: p.Lys349Glu; replaces lysine 349 with glutamic acid.
Molecular consequence: missense variant.
Genome position (GRCh38, 1-based): chr2:46,376,549, A>G. VCF-style: chr2-46376549-A-G. GRCh37 (hg19) VCF-style: chr2-46603688-A-G.
Other names: short protein forms K349E.
Identifiers: ClinVar variation 3221517 (VCV003221517.1), dbSNP rs998838683, ClinGen allele CA346703053.